The following is an entry in ClinVar:

NM_001184880.2(PCDH19):c.3037C>A (p.Arg1013=)

Gene: PCDH19 (protocadherin 19; minus strand). Cytogenetic location: Xq22.1.
Variant type: single nucleotide variant.
Coding change: c.3037C>A on transcript NM_001184880.2 (MANE Select); coding-DNA position 3037, C replaced by A.
Protein change: p.Arg1013=; no amino-acid change (arginine 1013 retained).
Molecular consequence: synonymous variant.
Genome position (GRCh38, 1-based): chrX:100,296,687, G>T on the plus strand (C>A on the coding strand, the complement: PCDH19 is on the minus strand). VCF-style: chrX-100296687-G-T. GRCh37 (hg19) VCF-style: chrX-99551685-G-T.
Other names: c.2896C>A, p.Arg966= (NM_001105243.2); c.2893C>A, p.Arg965= (NM_020766.3).
Identifiers: ClinVar variation 653997 (VCV000653997.12), dbSNP rs376406896, ClinGen allele CA10468676.

ClinVar aggregate classification (germline): Likely benign. Review status: criteria provided, multiple submitters, no conflicts (2 of 4 stars). 3 submissions from 3 submitters: Likely benign (2). 1 of the submissions does not count toward it. Last evaluated 2025-10-08.

Conditions:
Developmental and epileptic encephalopathy, 9 (DEE9). Also called: Early infantile epileptic encephalopathy 9; JUBERG-HELLMAN SYNDROME; EPILEPSY, FEMALE-RESTRICTED, WITH MENTAL RETARDATION; PCDH19-Related X-Linked Female-Limited Epilepsy with Mental Retardation. Identifiers: Orphanet 101039, Orphanet 2076, MedGen C1848137, MONDO:0010246, OMIM 300088. Disease mechanism: loss of function.
PCDH19-related disorder. Also called: PCDH19-related condition.

Allele frequency attached by ClinVar (database versions not stated): ExAC 0.00005; 1000 Genomes Project 30x 0.00021; TOPMed 0.00008; ESP Exome Variant Server 0.00019; gnomAD exomes 0.00002; gnomAD 0.00014.
gnomAD v4.1: 23 of 1,209,381 alleles (0.0019%); highest among the groups gnomAD compares: African/African-American, 0.035%; no homozygotes.

Submissions (3):

Labcorp Genetics (formerly Invitae), Labcorp
Classification: Likely benign for Developmental and epileptic encephalopathy, 9. Last evaluated: 2025-10-08. Review status: criteria provided, single submitter. Criteria: Invitae Variant Classification Sherloc (09022015). Collection method: clinical testing. Allele origin: germline.

GeneDx
Classification: Likely benign. Last evaluated: 2019-02-15. Review status: criteria provided, single submitter. Criteria: GeneDx Variant Classification Process June 2021. Collection method: clinical testing. Allele origin: germline. Affected: yes.

PreventionGenetics, part of Exact Sciences
Classification: Likely benign for PCDH19-related condition. Last evaluated: 2020-09-14. Review status: no assertion criteria provided. Collection method: clinical testing. Allele origin: germline. Not counted in ClinVar's aggregate classification.
Comment: This variant is classified as likely benign based on ACMG/AMP sequence variant interpretation guidelines (Richards et al. 2015 PMID: 25741868, with internal and published modifications).